The following is an entry in ClinVar:

NM_001034853.2(RPGR):c.768G>A (p.Val256=)

Gene: RPGR (retinitis pigmentosa GTPase regulator; minus strand). Cytogenetic location: Xp11.4.
Variant type: single nucleotide variant.
Coding change: c.768G>A on transcript NM_001034853.2 (MANE Select); coding-DNA position 768, G replaced by A.
Protein change: p.Val256=; no amino-acid change (valine 256 retained).
Molecular consequence: synonymous variant. On other transcripts: non-coding transcript variant (6).
Genome position (GRCh38, 1-based): chrX:38,310,625, C>T on the plus strand (G>A on the coding strand, the complement: RPGR is on the minus strand). VCF-style: chrX-38310625-C-T. GRCh37 (hg19) VCF-style: chrX-38169878-C-T.
Other names: NM_001034853.2(RPGR):c.768G>A; p.Val256=; c.768G>A, p.Val256= (NM_000328.3, NM_001367246.1, NM_001367247.1 and 1 more transcripts); c.765G>A, p.Val255= (NM_001367245.1, NM_001367249.1, NM_001367250.1); c.798G>A, p.Val266= (NM_001367248.1).
Identifiers: ClinVar variation 1802287 (VCV001802287.3), dbSNP rs2519865455, ClinGen allele CA515651361.

ClinVar aggregate classification (germline): Likely benign. Review status: reviewed by expert panel (3 of 4 stars). 2 submissions from 2 submitters: Likely benign (1). 1 of the submissions does not count toward it. Last evaluated 2026-11-20.

Conditions:
RPGR-related retinopathy. Also called: RPGR retinopathy. Identifiers: MedGen CN305589, MONDO:0100437.

Allele frequency attached by ClinVar (database versions not stated): gnomAD exomes below 0.00001.

Submissions (2):

ClinGen X-linked Inherited Retinal Disease Variant Curation Expert Panel, ClinGen
Classification: Likely benign for RPGR-related retinopathy. Last evaluated: 2026-11-20. Review status: reviewed by expert panel. Criteria: ClinGen X LinkedIRD ACMG Specifications RPGR V1.0.0. Collection method: curation. Allele origin: germline. Inheritance: X-linked inheritance.
Comment: NM_001034853.2(RPGR):c.768G>A is a silent variant at codon 256 that does not have an impact at splicing sites according to Splice AI, which predicts a delta score of 0.02 for all splicing types, which is below the ClinGen X-linked IRD VCEP recommended threshold of <0.1 and does not strongly predict an impact on splicing (BP7, BP4). This variant is absent from hemizygous individuals in gnomAD v4.1.2 (PM2_Supporting). In summary, this variant is classified as likely benign for RPGR-related retinopathy based on the ACMG/AMP criteria applied, as specified by the ClinGen X-linked IRD VCEP: BP4, BP7, and PM2_Supporting.

PreventionGenetics, part of Exact Sciences
Classification: Likely benign. Last evaluated: 2019-03-26. Review status: criteria provided, single submitter. Criteria: ACMG Guidelines, 2015. Collection method: clinical testing. Allele origin: germline. Not counted in ClinVar's aggregate classification.